The following is an entry in ClinVar:

ClinVar aggregate classification (germline): Benign/Likely benign. Review status: criteria provided, multiple submitters, no conflicts (2 of 4 stars). 3 submissions from 3 submitters: Benign (1); Likely benign (2). Last evaluated 2025-09-13.

Conditions:
Hereditary cancer-predisposing syndrome. Also called: Hereditary Cancer Syndrome; Hereditary neoplastic syndrome; Tumor predisposition; Neoplastic Syndromes, Hereditary. Identifiers: Orphanet 140162, MedGen C0027672, MeSH D009386, MONDO:0015356.
Oligodontia-cancer predisposition syndrome. Also called: TOOTH AGENESIS-COLORECTAL CANCER SYNDROME. Identifiers: Orphanet 300576, MedGen C1837750, MONDO:0012075, OMIM 608615. Disease mechanism: loss of function.

Submissions (3):

Labcorp Genetics (formerly Invitae), Labcorp
Classification: Likely benign for Oligodontia-cancer predisposition syndrome. Last evaluated: 2025-09-13. Review status: criteria provided, single submitter. Criteria: Invitae Variant Classification Sherloc (09022015). Collection method: clinical testing. Allele origin: germline.

Myriad Genetics, Inc.
Classification: Benign for Oligodontia-cancer predisposition syndrome. Last evaluated: 2024-07-09. Review status: criteria provided, single submitter. Criteria: Myriad Autosomal Dominant, Autosomal Recessive and X-Linked Classification Criteria (2023). Collection method: clinical testing. Allele origin: unknown.
Comment: This variant is considered benign. This variant is a silent/synonymous amino acid change and it is not expected to impact splicing.

Ambry Genetics
Classification: Likely benign for Hereditary cancer-predisposing syndrome. Last evaluated: 2023-09-06. Review status: criteria provided, single submitter. Criteria: Ambry Variant Classification Scheme 2023. Collection method: clinical testing. Allele origin: germline.

NM_004655.4(AXIN2):c.2133A>G (p.Pro711=)

Gene: AXIN2 (axin 2; minus strand). Cytogenetic location: 17q24.1.
Variant type: single nucleotide variant.
Coding change: c.2133A>G on transcript NM_004655.4 (MANE Select); coding-DNA position 2133, A replaced by G.
Protein change: p.Pro711=; no amino-acid change (proline 711 retained).
Molecular consequence: synonymous variant.
Genome position (GRCh38, 1-based): chr17:65,536,328, T>C on the plus strand (A>G on the coding strand, the complement: AXIN2 is on the minus strand). VCF-style: chr17-65536328-T-C. GRCh37 (hg19) VCF-style: chr17-63532446-T-C.
Other names: c.1938A>G, p.Pro646= (NM_001363813.1); c.2133A>G (NM_004655.3).
Identifiers: ClinVar variation 1081427 (VCV001081427.11), dbSNP rs1598096560, ClinGen allele CA501476168.